The following is an entry in ClinVar:

ClinVar aggregate classification (germline): Uncertain significance (1 of 4 stars; one submission).

Conditions:
Microcephaly, normal intelligence and immunodeficiency (NBS). Also called: IMMUNODEFICIENCY, MICROCEPHALY, AND CHROMOSOMAL INSTABILITY; SEEMANOVA SYNDROME II; BERLIN BREAKAGE SYNDROME; Nijmegen breakage syndrome; Microcephaly with normal intelligence immunodeficiency and lymphoreticular malignancies; Nonsyndromal microcephaly autosomal recessive with normal intelligence. Identifiers: Orphanet 647, MedGen C0398791, MONDO:0009623, OMIM 251260.

Allele frequency attached by ClinVar (database versions not stated): gnomAD exomes below 0.00001.
gnomAD v4.1: 1 of 1,612,980 alleles (0.000062%); highest among the groups gnomAD compares: Non-Finnish European, 0.000085%; no homozygotes.

Submission:

Labcorp Genetics (formerly Invitae), Labcorp
Classification: Uncertain significance for Microcephaly, normal intelligence and immunodeficiency. Last evaluated: 2023-05-01. Review status: criteria provided, single submitter. Criteria: Invitae Variant Classification Sherloc (09022015). Collection method: clinical testing. Allele origin: germline.
Comment: This sequence change replaces isoleucine, which is neutral and non-polar, with threonine, which is neutral and polar, at codon 132 of the NBN protein (p.Ile132Thr). This variant is not present in population databases (gnomAD no frequency). This variant has not been reported in the literature in individuals affected with NBN-related conditions. ClinVar contains an entry for this variant (Variation ID: 627848). An algorithm developed to predict the effect of missense changes on protein structure and function (PolyPhen-2) suggests that this variant is likely to be disruptive. In summary, the available evidence is currently insufficient to determine the role of this variant in disease. Therefore, it has been classified as a Variant of Uncertain Significance.

NM_002485.5(NBN):c.395T>C (p.Ile132Thr)

Gene: NBN (nibrin; minus strand). Cytogenetic location: 8q21.3.
Variant type: single nucleotide variant.
Coding change: c.395T>C on transcript NM_002485.5 (MANE Select); coding-DNA position 395, T replaced by C.
Protein change: p.Ile132Thr; replaces isoleucine 132 with threonine.
Molecular consequence: missense variant.
Genome position (GRCh38, 1-based): chr8:89,980,819, A>G on the plus strand (T>C on the coding strand, the complement: NBN is on the minus strand). VCF-style: chr8-89980819-A-G. GRCh37 (hg19) VCF-style: chr8-90993047-A-G.
Other names: c.149T>C, p.Ile50Thr (NM_001024688.3); short protein forms I132T, I50T.
Identifiers: ClinVar variation 2856984 (VCV002856984.3), dbSNP rs1563579078, ClinGen allele CA371661930.